The following is an entry in ClinVar:

NM_182961.4(SYNE1):c.3500T>C (p.Val1167Ala)

Gene: SYNE1 (spectrin repeat containing nuclear envelope protein 1; minus strand). Cytogenetic location: 6q25.2.
Variant type: single nucleotide variant.
Coding change: c.3500T>C on transcript NM_182961.4 (MANE Select); coding-DNA position 3500, T replaced by C.
Protein change: p.Val1167Ala; replaces valine 1167 with alanine.
Molecular consequence: missense variant.
Genome position (GRCh38, 1-based): chr6:152,449,537, A>G on the plus strand (T>C on the coding strand, the complement: SYNE1 is on the minus strand). VCF-style: chr6-152449537-A-G. GRCh37 (hg19) VCF-style: chr6-152770672-A-G.
Other names: c.3521T>C, p.Val1174Ala (NM_033071.5); short protein forms V1167A, V1174A.
Identifiers: ClinVar variation 355930 (VCV000355930.15), dbSNP rs555800735, ClinGen allele CA4058828.

ClinVar aggregate classification (germline): Conflicting classifications of pathogenicity. Review status: criteria provided, conflicting classifications (1 of 4 stars). 7 submissions from 6 submitters: Uncertain significance (3); Benign (1); Likely benign (3). Last evaluated 2025-08-13.

Conditions:
SYNE1-related disorder. Also called: SYNE1-related disorders; SYNE1-related disease; SYNE1-related condition.
Autosomal recessive ataxia, Beauce type. Also called: SYNE1-Related Autosomal Recessive Cerebellar Ataxia; ATAXIA, RECESSIVE, OF BEAUCE; Spinocerebellar ataxia, autosomal recessive 8; SYNE1 Deficiency. Identifiers: Orphanet 88644, MedGen C1853116, MONDO:0012549, OMIM 610743.
Emery-Dreifuss muscular dystrophy 4, autosomal dominant (EDMD4). Also called: EMERY-DREIFUSS MUSCULAR DYSTROPHY 4 WITH VARIABLE FEATURES. Identifiers: Orphanet 261, MedGen C2751807, MONDO:0013071, OMIM 612998.

Allele frequency attached by ClinVar (database versions not stated): gnomAD exomes 0.00002 and 0.00010; TOPMed 0.00006; gnomAD 0.00007; ExAC 0.00011; 1000 Genomes Project 30x 0.00016; 1000 Genomes Project 0.00020.
gnomAD v4.1: 48 of 1,613,108 alleles (0.003%); highest among the groups gnomAD compares: East Asian, 0.087%; no homozygotes.

Submissions (7):

PreventionGenetics, part of Exact Sciences
Classification: Likely benign for SYNE1-related condition. Last evaluated: 2025-08-13. Review status: criteria provided, single submitter. Criteria: ACMG Guidelines, 2015. Collection method: clinical testing. Allele origin: germline.
Comment: This variant is classified as likely benign based on ACMG/AMP sequence variant interpretation guidelines (Richards et al. 2015 PMID: 25741868, with internal and published modifications).

Blueprint Genetics
Classification: Likely benign. Last evaluated: 2024-09-10. Review status: criteria provided, single submitter. Criteria: ACMG Guidelines, 2015. Collection method: clinical testing. Allele origin: germline.

Labcorp Genetics (formerly Invitae), Labcorp
Classification: Uncertain significance for Emery-Dreifuss muscular dystrophy 4, autosomal dominant; Autosomal recessive ataxia, Beauce type. Last evaluated: 2024-08-31. Review status: criteria provided, single submitter. Criteria: Invitae Variant Classification Sherloc (09022015). Collection method: clinical testing. Allele origin: germline.
Comment: This sequence change replaces valine, which is neutral and non-polar, with alanine, which is neutral and non-polar, at codon 1174 of the SYNE1 protein (p.Val1174Ala). This variant is present in population databases (rs555800735, gnomAD 0.1%). This variant has not been reported in the literature in individuals affected with SYNE1-related conditions. ClinVar contains an entry for this variant (Variation ID: 355930). An algorithm developed to predict the effect of missense changes on protein structure and function outputs the following: PolyPhen-2: "Benign". The alanine amino acid residue is found in multiple mammalian species, which suggests that this missense change does not adversely affect protein function. In summary, the available evidence is currently insufficient to determine the role of this variant in disease. Therefore, it has been classified as a Variant of Uncertain Significance.

Revvity Omics, Revvity
Classification: Uncertain significance. Last evaluated: 2023-11-28. Review status: criteria provided, single submitter. Criteria: ACMG Guidelines, 2015. Collection method: clinical testing. Allele origin: germline.

Illumina Laboratory Services, Illumina
Classification: Benign for Emery-Dreifuss muscular dystrophy 4, autosomal dominant. Last evaluated: 2018-01-12. Review status: criteria provided, single submitter. Criteria: ICSL Variant Classification Criteria 13 December 2019. Collection method: clinical testing. Allele origin: germline.
Comment: This variant was observed in the ICSL laboratory as part of a predisposition screen in an ostensibly healthy population. It had not been previously curated by ICSL or reported in the Human Gene Mutation Database (HGMD: prior to June 1st, 2018), and was therefore a candidate for classification through an automated scoring system. Utilizing variant allele frequency, disease prevalence and penetrance estimates, and inheritance mode, an automated score was calculated to assess if this variant is too frequent to cause the disease. Based on the score and internal cut-off values, a variant classified as benign is not then subjected to further curation. The score for this variant resulted in a classification of benign for this disease.

Illumina Laboratory Services, Illumina
Classification: Uncertain significance for Autosomal recessive ataxia, Beauce type. Last evaluated: 2018-01-12. Review status: criteria provided, single submitter. Criteria: ICSL Variant Classification Criteria 13 December 2019. Collection method: clinical testing. Allele origin: germline.

GeneDx
Classification: Likely benign. Last evaluated: 2016-12-15. Review status: criteria provided, single submitter. Criteria: GeneDx Variant Classification (06012015). Collection method: clinical testing. Allele origin: germline. Affected: yes.
Comment: This variant is considered likely benign or benign based on one or more of the following criteria: it is a conservative change, it occurs at a poorly conserved position in the protein, it is predicted to be benign by multiple in silico algorithms, and/or has population frequency not consistent with disease.